The following is an entry in ClinVar:

ClinVar aggregate classification (germline): Uncertain significance (1 of 4 stars; one submission).

Conditions:
Angelman syndrome (AS). Also called: HAPPY PUPPET SYNDROME. Identifiers: Orphanet 72, MedGen C0162635, MONDO:0007113, OMIM 105830. Disease mechanism: loss of function. Inheritance: imprinting disorder, AS is caused by disruption of maternally imprinted UBE3A located within the 15q11.2-q13 Angelman syndrome/Prader-Willi syndrome (AS/PWS) region..

Allele frequency attached by ClinVar (database versions not stated): ExAC 0.00001.
gnomAD v4.1: 1 of 1,614,138 alleles (0.000062%); highest among the groups gnomAD compares: Admixed American, 0.0017%; no homozygotes.

Submission:

Labcorp Genetics (formerly Invitae), Labcorp
Classification: Uncertain significance for Angelman syndrome. Last evaluated: 2022-12-14. Review status: criteria provided, single submitter. Criteria: Invitae Variant Classification Sherloc (09022015). Collection method: clinical testing. Allele origin: germline.
Comment: This sequence change replaces alanine, which is neutral and non-polar, with serine, which is neutral and polar, at codon 296 of the UBE3A protein (p.Ala296Ser). This variant is present in population databases (rs774629852, gnomAD 0.003%). This variant has not been reported in the literature in individuals affected with UBE3A-related conditions. Advanced modeling of protein sequence and biophysical properties (such as structural, functional, and spatial information, amino acid conservation, physicochemical variation, residue mobility, and thermodynamic stability) performed at Invitae indicates that this missense variant is not expected to disrupt UBE3A protein function. In summary, the available evidence is currently insufficient to determine the role of this variant in disease. Therefore, it has been classified as a Variant of Uncertain Significance.

NM_130839.5(UBE3A):c.946G>T (p.Ala316Ser)

Genes: SNHG14 (small nucleolar RNA host gene 14; plus strand), UBE3A (ubiquitin protein ligase E3A; minus strand). Cytogenetic location: 15q11.2.
Variant type: single nucleotide variant.
Coding change: c.946G>T on transcript NM_130839.5 (MANE Select); coding-DNA position 946, G replaced by T.
Protein change: p.Ala316Ser; replaces alanine 316 with serine.
Molecular consequence: missense variant. On other transcripts: non-coding transcript variant (1), intron variant (2).
Genome position (GRCh38, 1-based): chr15:25,371,228, C>A on the plus strand (G>T on the coding strand, the complement: UBE3A is on the minus strand). VCF-style: chr15-25371228-C-A. GRCh37 (hg19) VCF-style: chr15-25616375-C-A.
Other names: c.955G>T, p.Ala319Ser (NM_000462.5); c.946G>T, p.Ala316Ser (NM_001354505.1, NM_001354538.2, NM_001354545.2); c.886G>T, p.Ala296Ser (NM_001354506.2, NM_001354507.2, NM_001354508.2 and 17 more transcripts); c.769G>T, p.Ala257Ser (NM_001354546.2); c.301+4237G>T (NM_001354551.2); c.361+4237G>T (NM_001354550.2); short protein forms A316S, A319S, A257S, A296S.
Identifiers: ClinVar variation 2799300 (VCV002799300.3), dbSNP rs774629852, ClinGen allele CA7435576.